The following is an entry in ClinVar:

NM_002439.5(MSH3):c.1544T>C (p.Leu515Ser)

Gene: MSH3 (mutS homolog 3; plus strand). Cytogenetic location: 5q14.1.
Variant type: single nucleotide variant.
Coding change: c.1544T>C on transcript NM_002439.5 (MANE Select); coding-DNA position 1544, T replaced by C.
Protein change: p.Leu515Ser; replaces leucine 515 with serine.
Molecular consequence: missense variant.
Genome position (GRCh38, 1-based): chr5:80,728,941, T>C. VCF-style: chr5-80728941-T-C. GRCh37 (hg19) VCF-style: chr5-80024760-T-C.
Other names: short protein forms L515S.
Identifiers: ClinVar variation 1774910 (VCV001774910.2), dbSNP rs2546754696, ClinGen allele CA360274336.

ClinVar aggregate classification (germline): Uncertain significance (1 of 4 stars; one submission).

Conditions:
Hereditary cancer-predisposing syndrome. Also called: Hereditary Cancer Syndrome; Hereditary neoplastic syndrome; Neoplastic Syndromes, Hereditary; Tumor predisposition. Identifiers: Orphanet 140162, MedGen C0027672, MeSH D009386, MONDO:0015356.

Submission:

Ambry Genetics
Classification: Uncertain significance for Hereditary cancer-predisposing syndrome. Last evaluated: 2022-09-24. Review status: criteria provided, single submitter. Criteria: Ambry Variant Classification Scheme 2023. Collection method: clinical testing. Allele origin: germline.
Comment: The p.L515S variant (also known as c.1544T>C), located in coding exon 10 of the MSH3 gene, results from a T to C substitution at nucleotide position 1544. The leucine at codon 515 is replaced by serine, an amino acid with dissimilar properties. This amino acid position is conserved. In addition, this alteration is predicted to be deleterious by in silico analysis. Since supporting evidence is limited at this time, the clinical significance of this alteration remains unclear.